The following continues an entry in ClinVar:

NM_000552.5(VWF):c.4135C>T (p.Arg1379Cys)

Gene: VWF. ClinVar aggregate classification (germline): Uncertain significance. Uncertain significance (1).

Submissions 11 to 14 of 14:

Rady Children's Institute for Genomic Medicine, Rady Children's Hospital San Diego
Classification: Pathogenic for VWF-related disorders. Review status: criteria provided, single submitter. Criteria: ACMG Guidelines, 2015. Collection method: clinical testing. Allele origin: germline. Affected: yes. Not counted in ClinVar's aggregate classification.
Comment: This variant has been previously reported as a heterozygous and compound heterozygous change in patients with VWF-related disorders (PMID: 11325649, 27785872, 16985174, 19277422, 26986123, 31939074). Functional studies show the p.Arg1379Cys variant enhances binding capacity to the glycoprotein Ib-alpha (PMID: 27785872). This variant was shown to segregate with disease in an autosomal dominant manner in at least one family with VWF-related disorder and a phenotype of mild bleeding (PMID: 20305138). It is present in the heterozygous state in the gnomAD population database at a frequency of 0.002% (6/281706) and thus is presumed to be rare. In silico tools used to predict the effect of this variant on protein function yield discordant results. Based on the available evidence, the c.4135C>T (p.Arg1379Cys) variant is classified as Pathogenic.

Angelo Bianchi Bonomi Hemophilia and Thrombosis Center, Fondazione IRCCS Ca Granda Ospedale Maggiore Policlinico
Classification: Pathogenic for von Willebrand disease type 2. Last evaluated: 2022-04-26. Review status: no assertion criteria provided. Collection method: clinical testing. Allele origin: germline. Affected: yes. Not counted in ClinVar's aggregate classification.

Academic Unit of Haematology, University of Sheffield
No classification provided. Review status: no classification provided. Collection method: not provided. Allele origin: not provided. Not counted in ClinVar's aggregate classification.

GeneReviews
No classification provided. Condition: von Willebrand disorder. Review status: no classification provided. Collection method: literature only. Allele origin: germline. Not counted in ClinVar's aggregate classification.

Literature cited by the submitters: PubMed 11325649 (cited by 3 submitters); PubMed 16985174 (cited by Mayo Clinic Laboratories, Mayo Clinic and Illumina Laboratory Services, Illumina); PubMed 18230755 (cited by Mayo Clinic Laboratories, Mayo Clinic); PubMed 19187192 (cited by Mayo Clinic Laboratories, Mayo Clinic); PubMed 19277422 (cited by Mayo Clinic Laboratories, Mayo Clinic); PubMed 20305138 (cited by Mayo Clinic Laboratories, Mayo Clinic and Illumina Laboratory Services, Illumina); PubMed 21534937 (cited by Mayo Clinic Laboratories, Mayo Clinic and Illumina Laboratory Services, Illumina); PubMed 26456374 (cited by Mayo Clinic Laboratories, Mayo Clinic and Illumina Laboratory Services, Illumina); PubMed 27785872 (cited by Mayo Clinic Laboratories, Mayo Clinic and Women's Health and Genetics/Laboratory Corporation of America, LabCorp); PubMed 28640903 (cited by Mayo Clinic Laboratories, Mayo Clinic and Women's Health and Genetics/Laboratory Corporation of America, LabCorp); PubMed 31939074 (cited by Mayo Clinic Laboratories, Mayo Clinic); PubMed 35452508 (cited by Mayo Clinic Laboratories, Mayo Clinic); PubMed 39002731 (cited by Mayo Clinic Laboratories, Mayo Clinic); PubMed 26986123 (cited by Women's Health and Genetics/Laboratory Corporation of America, LabCorp); NCBI Bookshelf NBK7014 (cited by GeneReviews).